The following is an entry in ClinVar:

NM_001080495.3(TNRC18):c.553_560dup (p.Gly188fs)

Gene: TNRC18 (trinucleotide repeat containing 18; minus strand). Cytogenetic location: 7p22.1.
Variant type: Duplication.
Coding change: c.553_560dup on transcript NM_001080495.3 (MANE Select); coding-DNA positions 553 to 560, 8 bases duplicated (ACCCCTGG; older notation c.553_560dupACCCCTGG).
Protein change: p.Gly188fs; shifts the reading frame from glycine 188.
Molecular consequence: frameshift variant.
Genome position (GRCh38, 1-based): chr7:5,389,264-5,389,271, CCAGGGGT duplicated on the plus strand (ACCCCTGG on the coding strand, the reverse complement: TNRC18 is on the minus strand); duplicating any 8 consecutive bases within chr7:5,389,264-5,389,273 gives the same sequence; the c. name uses the placement nearest the transcript's 3' end. VCF-style (leftmost placement, unchanged base first): chr7-5389263-G-GCCAGGGGT. GRCh37 (hg19) VCF-style: chr7-5428894-G-GCCAGGGGT.
Other names: short protein forms G188fs.
Identifiers: ClinVar variation 3764602 (VCV003764602.1).

ClinVar aggregate classification (germline): Uncertain significance (1 of 4 stars; one submission).

Conditions:
TNRC18-related disorder.

Submission:

Daryl Scott Lab, Baylor College of Medicine
Classification: Uncertain significance for TNRC18-related disorder. Last evaluated: 2024-01-01. Review status: criteria provided, single submitter. Criteria: ACMG Guidelines, 2015. Collection method: clinical testing. Allele origin: maternal. Observed: 1 heterozygote.
Comment: PM2, PP3